The following is an entry in ClinVar:

ClinVar aggregate classification (germline): Uncertain significance. Review status: criteria provided, multiple submitters, no conflicts (2 of 4 stars). 4 submissions from 4 submitters: Uncertain significance (3). 1 of the submissions does not count toward it. Last evaluated 2023-04-07.

Conditions:
SEMA3E-related disorder. Also called: SEMA3E-related condition.
CHARGE syndrome (CHARGE). Also called: Hittner Hirsch Kreh syndrome; Coloboma, heart anomaly, choanal atresia, retardation, genital and ear anomalies; CHARGE association; Hall-Hittner syndrome; CHARGE ASSOCIATION--COLOBOMA, HEART ANOMALY, CHOANAL ATRESIA, RETARDATION, GENITAL AND EAR ANOMALIES. Identifiers: Orphanet 138, MedGen C0265354, MONDO:0008965.

Allele frequency attached by ClinVar (database versions not stated): ExAC 0.00001; gnomAD 0.00004.
gnomAD v4.1: 18 of 1,612,502 alleles (0.0011%); highest among the groups gnomAD compares: Non-Finnish European, 0.00034%; no homozygotes.

Submissions (4):

Ambry Genetics
Classification: Uncertain significance. Last evaluated: 2023-04-07. Review status: criteria provided, single submitter. Criteria: Ambry Variant Classification Scheme 2023. Collection method: clinical testing. Allele origin: germline.

Labcorp Genetics (formerly Invitae), Labcorp
Classification: Uncertain significance for CHARGE syndrome. Last evaluated: 2019-08-26. Review status: criteria provided, single submitter. Criteria: Invitae Variant Classification Sherloc (09022015). Collection method: clinical testing. Allele origin: germline.
Comment: In summary, the available evidence is currently insufficient to determine the role of this variant in disease. Therefore, it has been classified as a Variant of Uncertain Significance. Algorithms developed to predict the effect of missense changes on protein structure and function are either unavailable or do not agree on the potential impact of this missense change (SIFT: "Deleterious"; PolyPhen-2: "Possibly Damaging"; Align-GVGD: "Class C0"). This variant has not been reported in the literature in individuals with SEMA3E-related conditions. ClinVar contains an entry for this variant (Variation ID: 547019). This variant is present in population databases (rs746431820, ExAC 0.02%). This sequence change replaces histidine with glutamine at codon 339 of the SEMA3E protein (p.His339Gln). The histidine residue is moderately conserved and there is a small physicochemical difference between histidine and glutamine.

CeGaT Center for Human Genetics Tuebingen
Classification: Uncertain significance. Last evaluated: 2018-03-31. Review status: criteria provided, single submitter. Criteria: Praxis fuer Humangenetik Tuebingen - Variant Classification Criteria. Collection method: clinical testing. Allele origin: germline. Affected: yes. Observed: 2 variant alleles.

PreventionGenetics, part of Exact Sciences
Classification: Uncertain significance for SEMA3E-related condition. Last evaluated: 2023-11-22. Review status: no assertion criteria provided. Collection method: clinical testing. Allele origin: germline. Not counted in ClinVar's aggregate classification.
Comment: The SEMA3E c.1017T>A variant is predicted to result in the amino acid substitution p.His339Gln. To our knowledge, this variant has not been reported in the literature. This variant is reported in 0.024% of alleles in individuals of European (Finnish) descent in gnomAD. Although we suspect that this variant may be benign, at this time, the clinical significance of this variant is uncertain due to the absence of conclusive functional and genetic evidence.

NM_012431.3(SEMA3E):c.1017T>A (p.His339Gln)

Gene: SEMA3E (semaphorin 3E; minus strand). Cytogenetic location: 7q21.11.
Variant type: single nucleotide variant.
Coding change: c.1017T>A on transcript NM_012431.3 (MANE Select); coding-DNA position 1017, T replaced by A.
Protein change: p.His339Gln; replaces histidine 339 with glutamine.
Molecular consequence: missense variant.
Genome position (GRCh38, 1-based): chr7:83,402,758, A>T on the plus strand (T>A on the coding strand, the complement: SEMA3E is on the minus strand). VCF-style: chr7-83402758-A-T. GRCh37 (hg19) VCF-style: chr7-83032074-A-T.
Other names: c.837T>A, p.His279Gln (NM_001178129.2); short protein forms H339Q, H279Q.
Identifiers: ClinVar variation 547019 (VCV000547019.15), dbSNP rs746431820, ClinGen allele CA4322122.